The following is an entry in ClinVar:

NM_000256.3(MYBPC3):c.1201C>T (p.Gln401Ter)

Gene: MYBPC3 (myosin binding protein C3; minus strand). Cytogenetic location: 11p11.2.
Variant type: single nucleotide variant.
Coding change: c.1201C>T on transcript NM_000256.3 (MANE Select); coding-DNA position 1201, C replaced by T.
Protein change: p.Gln401Ter; replaces glutamine 401 with a stop codon.
Molecular consequence: nonsense.
Genome position (GRCh38, 1-based): chr11:47,343,514, G>A on the plus strand (C>T on the coding strand, the complement: MYBPC3 is on the minus strand). VCF-style: chr11-47343514-G-A. GRCh37 (hg19) VCF-style: chr11-47365065-G-A.
Other names: p.Q401*:CAG>TAG; c.1201C>T, p.Gln401Ter (LRG_386t1); short protein forms Q401*.
Identifiers: ClinVar variation 181064 (VCV000181064.4), dbSNP rs730880637, ClinGen allele CA009855.

ClinVar aggregate classification (germline): Pathogenic. Review status: criteria provided, multiple submitters, no conflicts (2 of 4 stars). 3 submissions from 3 submitters: Pathogenic (3). Last evaluated 2025-05-07.

Conditions:
Hypertrophic cardiomyopathy 4. Also called: Familial hypertrophic cardiomyopathy 4. Identifiers: MedGen C1861862, MONDO:0007268, OMIM 115197.
Left ventricular noncompaction 10 (LVNC10). Identifiers: Orphanet 154, Orphanet 54260, MedGen C3715165, MONDO:0014163, OMIM 615396.
Hypertrophic cardiomyopathy. Also called: HYPERTROPHIC MYOCARDIOPATHY. Identifiers: Orphanet 217569, MedGen C0007194, MeSH D002312, MONDO:0005045, HP:0001639.

Submissions (3):

Labcorp Genetics (formerly Invitae), Labcorp
Classification: Pathogenic for Hypertrophic cardiomyopathy. Last evaluated: 2025-05-07. Review status: criteria provided, single submitter. Criteria: Invitae Variant Classification Sherloc (09022015). Collection method: clinical testing. Allele origin: germline.
Comment: This sequence change creates a premature translational stop signal (p.Gln401*) in the MYBPC3 gene. It is expected to result in an absent or disrupted protein product. Loss-of-function variants in MYBPC3 are known to be pathogenic (PMID: 19574547). This variant is not present in population databases (gnomAD no frequency). This premature translational stop signal has been observed in individual(s) with hypertrophic cardiomyopathy (PMID: 27532257, 37652022). ClinVar contains an entry for this variant (Variation ID: 181064). For these reasons, this variant has been classified as Pathogenic.

Fulgent Genetics
Classification: Pathogenic for Hypertrophic cardiomyopathy 4; Left ventricular noncompaction 10. Last evaluated: 2024-06-25. Review status: criteria provided, single submitter. Criteria: ACMG Guidelines, 2015. Collection method: clinical testing. Allele origin: germline.

GeneDx
Classification: Pathogenic. Last evaluated: 2013-02-14. Review status: criteria provided, single submitter. Criteria: GeneDx Variant Classification (06012015). Collection method: clinical testing. Allele origin: germline. Affected: yes.
Comment: p.Gln401Stop (CAG>TAG): c.1201 C>T in exon 13 of the MYBPC3 gene (NM_000256.3)The Gln401Stop mutation in the MYBPC3 gene has not been reported as a disease-causing mutation or as a benign polymorphism to our knowledge. Gln401Stop is predicted to cause loss of normal protein function either by protein truncation or nonsense-mediated mRNA decay. Other nonsense mutations in the MYBPC3 gene have been reported in association with HCM. In summary, Gln401Stop in the MYBPC3 gene is interpreted as a disease-causing mutation. Mutations in the MYBPC3 gene have been reported in 20%-30% of patients with autosomal dominant familial hypertrophic cardiomyopathy, and have been reported less frequently in patients with autosomal dominant familial dilated cardiomyopathy (Cirino A et al., 2011; Hershberger R et al., 2009). The variant is found in HCM panel(s).

Literature cited by the submitters: PubMed 19574547 (cited by Labcorp Genetics (formerly Invitae), Labcorp); PubMed 27532257 (cited by Labcorp Genetics (formerly Invitae), Labcorp); PubMed 37652022 (cited by Labcorp Genetics (formerly Invitae), Labcorp).